The following is an entry in ClinVar:

NM_002608.4(PDGFB):c.63+2960TG[11]

Genes: PDGFB (platelet derived growth factor subunit B; minus strand), LOC130067453 (ATAC-STARR-seq lymphoblastoid active region 19036; plus strand). Cytogenetic location: 22q13.1.
Variant type: Microsatellite.
Coding change: c.63+2960TG[11] on transcript NM_002608.4 (MANE Select); 11 copies in a row of the 2-base unit TG starting at c.63+2960; the reference has ten copies in a row; one copy, 2 bases duplicated.
Molecular consequence: intron variant.
Genome position (GRCh38, 1-based): chr22:39,240,922-39,240,923, CA duplicated on the plus strand (TG on the coding strand, the reverse complement: PDGFB is on the minus strand); duplicating any 2 consecutive bases within chr22:39,240,922-39,240,942 gives the same sequence; the position shown is the placement nearest the transcript's 3' end. VCF-style (leftmost placement, unchanged base first): chr22-39240921-G-GCA. GRCh37 (hg19) VCF-style: chr22-39636926-G-GCA.
Identifiers: ClinVar variation 1693356 (VCV001693356.2), dbSNP rs66513025, ClinGen allele CA10240314.

ClinVar aggregate classification (germline): Likely benign (1 of 4 stars; one submission).

Submission:

GeneDx
Classification: Likely benign. Last evaluated: 2020-12-19. Review status: criteria provided, single submitter. Criteria: GeneDx Variant Classification Process June 2021. Collection method: clinical testing. Allele origin: germline. Affected: yes.
Comment: See Variant Classification Assertion Criteria.